The following is an entry in ClinVar:

NM_152594.3(SPRED1):c.391A>G (p.Lys131Glu)

Gene: SPRED1 (sprouty related EVH1 domain containing 1; plus strand). Cytogenetic location: 15q14.
Variant type: single nucleotide variant.
Coding change: c.391A>G on transcript NM_152594.3 (MANE Select); coding-DNA position 391, A replaced by G.
Protein change: p.Lys131Glu; replaces lysine 131 with glutamic acid.
Molecular consequence: missense variant.
Genome position (GRCh38, 1-based): chr15:38,324,777, A>G. VCF-style: chr15-38324777-A-G. GRCh37 (hg19) VCF-style: chr15-38616978-A-G.
Other names: short protein forms K131E.
Identifiers: ClinVar variation 5030133 (VCV005030133.1).
Genomic context (GRCh38, chr15:38,324,777, plus strand): 5'-TAAGACAAAAATTCTATACTTAATTAACTTTTATCTATTTTCTTAGGATGCCCCGAATCA[A>G]AAAATGAAGCTGAAGGGGCAGATGACTTACAAGTAAGTAATGGCTTGGAAGGAATTTGTA-3'
Protein context (NP_689807.1, residues 121-141): EDISQGCPES[Lys131Glu]NEAEGADDLQ

ClinVar aggregate classification (germline): Uncertain significance (1 of 4 stars; one submission).

Conditions:
Cardiovascular phenotype. Identifiers: MedGen CN230736.

Submission:

Ambry Genetics
Classification: Uncertain significance for Cardiovascular phenotype. Last evaluated: 2026-08-31. Review status: criteria provided, single submitter. Criteria: Ambry Variant Classification Scheme 2023. Collection method: clinical testing. Allele origin: germline.
Comment: The p.K131E variant (also known as c.391A>G), located in coding exon 4 of the SPRED1 gene, results from an A to G substitution at nucleotide position 391. The lysine at codon 131 is replaced by glutamic acid, an amino acid with similar properties. This amino acid position is conserved. In addition, this alteration is predicted to be tolerated by in silico analysis. Based on the available evidence, the clinical significance of this variant remains unclear.